The following is an entry in ClinVar:

ClinVar aggregate classification (germline): Conflicting classifications of pathogenicity. Review status: criteria provided, conflicting classifications (1 of 4 stars). 11 submissions from 11 submitters: Uncertain significance (8); Likely benign (1). 2 of the submissions do not count toward it. Last evaluated 2026-02-03.

Conditions:
ATM-related disorder. Also called: ATM-related disorders; ATM-related condition.
Hereditary cancer-predisposing syndrome. Also called: Tumor predisposition; Neoplastic Syndromes, Hereditary; Hereditary neoplastic syndrome; Hereditary Cancer Syndrome. Identifiers: Orphanet 140162, MedGen C0027672, MeSH D009386, MONDO:0015356.
Familial cancer of breast. Also called: BREAST CANCER, FAMILIAL; Hereditary breast cancer; hereditary breast carcinoma. Identifiers: Orphanet 227535, MedGen C0346153, MONDO:0016419, OMIM 114480. Disease mechanism: loss of function.
Ataxia-telangiectasia syndrome (AT). Also called: Ataxia-telangiectasia, complementation group D; AT, COMPLEMENTATION GROUP C; Cerebello-oculocutaneous telangiectasia; Immunodeficiency with ataxia telangiectasia; ATAXIA-TELANGIECTASIA, COMPLEMENTATION GROUP A; ATAXIA-TELANGIECTASIA, FRESNO VARIANT. Identifiers: Orphanet 100, MedGen C0004135, MONDO:0008840, OMIM 208900.

Allele frequency attached by ClinVar (database versions not stated): gnomAD exomes 0.00001 and 0.00004; ExAC 0.00003; ESP Exome Variant Server 0.00008; gnomAD 0.00009 and 0.00012; TOPMed 0.00012.

Submissions (11):

Labcorp Genetics (formerly Invitae), Labcorp
Classification: Likely benign for Ataxia-telangiectasia syndrome. Last evaluated: 2026-02-03. Review status: criteria provided, single submitter. Criteria: Invitae Variant Classification Sherloc (09022015). Collection method: clinical testing. Allele origin: germline.

PreventionGenetics, part of Exact Sciences
Classification: Uncertain significance for ATM-related condition. Last evaluated: 2025-11-03. Review status: criteria provided, single submitter. Criteria: ACMG Guidelines, 2015. Collection method: clinical testing. Allele origin: germline.
Comment: The ATM c.3628A>G variant is predicted to result in the amino acid substitution p.Met1210Val. This variant has been reported in an individual with lung cancer (Table S12, Lu et al. 2015. PubMed ID: 26689913). This variant is reported in 0.064% of alleles in individuals of African descent in gnomAD and is interpreted as a variant of uncertain significance by majority of the submitters in ClinVar (Variation ID: 141117). Although we suspect that this variant may be benign, at this time, the clinical significance of this variant is uncertain due to the absence of conclusive functional and genetic evidence.

GeneDx
Classification: Uncertain significance. Last evaluated: 2025-08-26. Review status: criteria provided, single submitter. Criteria: GeneDx Variant Classification Process June 2021. Collection method: clinical testing. Allele origin: germline. Affected: yes.
Comment: In silico analysis suggests that this missense variant does not alter protein structure/function; This variant is associated with the following publications: (PMID: 26689913, 28122867, 29684080, 30311369, 28843361, 26580448, 33471991, 32832836, 19781682)

Quest Diagnostics Nichols Institute San Juan Capistrano
Classification: Uncertain significance. Last evaluated: 2025-07-20. Review status: criteria provided, single submitter. Criteria: Quest Diagnostics criteria. Collection method: clinical testing. Allele origin: unknown.

Ambry Genetics
Classification: Uncertain significance for Hereditary cancer-predisposing syndrome. Last evaluated: 2025-02-19. Review status: criteria provided, single submitter. Criteria: Ambry Variant Classification Scheme 2023. Collection method: clinical testing. Allele origin: germline.
Comment: The p.M1210V variant (also known as c.3628A>G), located in coding exon 24 of the ATM gene, results from an A to G substitution at nucleotide position 3628. The methionine at codon 1210 is replaced by valine, an amino acid with highly similar properties. This amino acid position is well conserved in available vertebrate species. In addition, this alteration is predicted to be tolerated by in silico analysis. Since supporting evidence is limited at this time, the clinical significance of this alteration remains unclear.

Color Diagnostics, LLC DBA Color Health
Classification: Uncertain significance for Hereditary cancer-predisposing syndrome. Last evaluated: 2025-01-07. Review status: criteria provided, single submitter. Criteria: ACMG Guidelines, 2015. Collection method: clinical testing. Allele origin: germline.
Comment: This missense variant replaces methionine with valine at codon 1210 of the ATM protein. Computational prediction suggests that this variant may not impact protein structure and function. To our knowledge, functional studies have not been performed for this variant. This variant has been reported in an individual affected with lung cancer (PMID: 26689913). This variant has been identified in 16/282536 chromosomes in the general population by the Genome Aggregation Database (gnomAD). The available evidence is insufficient to determine the role of this variant in disease conclusively. Therefore, this variant is classified as a Variant of Uncertain Significance.

Baylor Genetics
Classification: Uncertain significance for Familial cancer of breast. Last evaluated: 2024-03-27. Review status: criteria provided, single submitter. Criteria: ACMG Guidelines, 2015. Collection method: clinical testing. Allele origin: unknown.

Sema4
Classification: Uncertain significance for Hereditary cancer-predisposing syndrome. Last evaluated: 2021-06-18. Review status: criteria provided, single submitter. Criteria: Sema4 Curation Guidelines. Collection method: curation. Allele origin: germline.
Comment: The ATM c.3628A>G (p.M1210V) variant has been reported in individuals with breast cancer, lung cancer, kidney cancer, and uterine cancer, and acute myelogenous leukemia (PMID: 28843361, 29684080, 26689913, 26580448). It was observed in 16/24954 chromosomes of the African/African American subpopulation in the large and broad cohorts of the Genome Aggregation Database (PMID: 32461654). The variant has been reported in ClinVar (Variation ID 141117). In silico tools suggest the impact of the variant on protein function is inconclusive though these predictions have not been confirmed by functional studies. The evidence is insufficient to meet ACMG/AMP criteria for classifying the variant as benign or pathogenic. Thus, the clinical significance of this variant is currently uncertain.

Women's Health and Genetics/Laboratory Corporation of America, LabCorp
Classification: Uncertain significance. Last evaluated: 2019-08-16. Review status: criteria provided, single submitter. Criteria: LabCorp Variant Classification Summary - May 2015. Collection method: clinical testing. Allele origin: germline.
Comment: Variant summary: ATM c.3628A>G (p.Met1210Val) results in a conservative amino acid change in the encoded protein sequence. Four of five in-silico tools predict a benign effect of the variant on protein function. The variant allele was found at a frequency of 4e-05 in 251146 control chromosomes (gnomAD). This frequency is not higher than expected for a pathogenic variant in ATM causing Breast Cancer (4e-05 vs 0.001), allowing no conclusion about variant significance. c.3628A>G has been reported in the literature in individuals affected with lung cancer (Lu_2015, Parry_2017) and core-binding factor acute myeloid leukemia (AML) (Zhang_2015). These reports do not provide unequivocal conclusions about association of the variant with Breast Cancer. To our knowledge, no experimental evidence demonstrating an impact on protein function has been reported. Five ClinVar submissions (evaluation after 2014) cite the variant as uncertain significance. Based on the evidence outlined above, the variant was classified as uncertain significance.

Natera, Inc.
Classification: Uncertain significance for Ataxia-telangiectasia. Last evaluated: 2020-09-16. Review status: no assertion criteria provided. Collection method: clinical testing. Allele origin: germline. Not counted in ClinVar's aggregate classification.

Counsyl
Classification: Uncertain significance for Ataxia-telangiectasia syndrome. Last evaluated: 2017-01-17. Review status: no assertion criteria provided. Collection method: clinical testing. Allele origin: unknown. Not counted in ClinVar's aggregate classification.

Literature cited by the submitters: PubMed 26580448 (cited by 3 submitters); PubMed 29684080 (cited by Ambry Genetics and Sema4); PubMed 26689913 (cited by 3 submitters); PubMed 28843361 (cited by Sema4 and Women's Health and Genetics/Laboratory Corporation of America, LabCorp).

NM_000051.4(ATM):c.3628A>G (p.Met1210Val)

Gene: ATM (ATM serine/threonine kinase; plus strand). Cytogenetic location: 11q22.3.
Variant type: single nucleotide variant.
Coding change: c.3628A>G on transcript NM_000051.4 (MANE Select); coding-DNA position 3628, A replaced by G.
Protein change: p.Met1210Val; replaces methionine 1210 with valine.
Molecular consequence: missense variant.
Genome position (GRCh38, 1-based): chr11:108,282,761, A>G. VCF-style: chr11-108282761-A-G. GRCh37 (hg19) VCF-style: chr11-108153488-A-G.
Other names: c.3628A>G, p.Met1210Val (NM_001351834.2); short protein forms M1210V.
Identifiers: ClinVar variation 141117 (VCV000141117.36), dbSNP rs138212452, ClinGen allele CA164516.